The following is an entry in ClinVar:

ClinVar aggregate classification (germline): Pathogenic (1 of 4 stars; one submission).

Allele frequency attached by ClinVar (database versions not stated): gnomAD exomes below 0.00001.

Submission:

GeneDx
Classification: Pathogenic. Last evaluated: 2023-06-22. Review status: criteria provided, single submitter. Criteria: GeneDx Variant Classification Process June 2021. Collection method: clinical testing. Allele origin: germline. Affected: yes.
Comment: Not observed at significant frequency in large population cohorts (gnomAD); In silico analysis supports that this missense variant has a deleterious effect on protein structure/function; Has not been previously published as pathogenic or benign to our knowledge; This variant is associated with the following publications: (PMID: 20473311)

NM_001111125.3(IQSEC2):c.2803C>T (p.Arg935Cys)

Gene: IQSEC2 (IQ motif and Sec7 domain ArfGEF 2; minus strand). Cytogenetic location: Xp11.22.
Variant type: single nucleotide variant.
Coding change: c.2803C>T on transcript NM_001111125.3 (MANE Select); coding-DNA position 2803, C replaced by T.
Protein change: p.Arg935Cys; replaces arginine 935 with cysteine.
Molecular consequence: missense variant.
Genome position (GRCh38, 1-based): chrX:53,243,418, G>A on the plus strand (C>T on the coding strand, the complement: IQSEC2 is on the minus strand). VCF-style: chrX-53243418-G-A. GRCh37 (hg19) VCF-style: chrX-53272600-G-A.
Other names: c.2803C>T, p.Arg935Cys (NM_001410736.1); c.2188C>T, p.Arg730Cys (NM_015075.2); short protein forms R730C, R935C.
Identifiers: ClinVar variation 2506867 (VCV002506867.1), dbSNP rs1556861369, ClinGen allele CA413154005.